The following is an entry in ClinVar:

ClinVar aggregate classification (germline): Uncertain significance (1 of 4 stars; one submission).

Submission:

GeneDx
Classification: Uncertain significance. Last evaluated: 2023-06-26. Review status: criteria provided, single submitter. Criteria: GeneDx Variant Classification Process June 2021. Collection method: clinical testing. Allele origin: germline. Affected: yes.
Comment: Not observed at significant frequency in large population cohorts (gnomAD); In silico analysis supports that this missense variant has a deleterious effect on protein structure/function; Has not been previously published as pathogenic or benign to our knowledge

NM_001004127.3(ALG11):c.839C>T (p.Pro280Leu)

Gene: ALG11 (ALG11 alpha-1,2-mannosyltransferase; plus strand). Cytogenetic location: 13q14.3.
Variant type: single nucleotide variant.
Coding change: c.839C>T on transcript NM_001004127.3 (MANE Select); coding-DNA position 839, C replaced by T.
Protein change: p.Pro280Leu; replaces proline 280 with leucine.
Molecular consequence: missense variant.
Genome position (GRCh38, 1-based): chr13:52,024,569, C>T. VCF-style: chr13-52024569-C-T. GRCh37 (hg19) VCF-style: chr13-52598705-C-T.
Other names: short protein forms P280L.
Identifiers: ClinVar variation 3252903 (VCV003252903.1), dbSNP rs2547344143.